The following is an entry in ClinVar:

NM_024757.5(EHMT1):c.994C>T (p.Leu332=)

Gene: EHMT1 (euchromatic histone lysine methyltransferase 1; plus strand). Cytogenetic location: 9q34.3.
Variant type: single nucleotide variant.
Coding change: c.994C>T on transcript NM_024757.5 (MANE Select); coding-DNA position 994, C replaced by T.
Protein change: p.Leu332=; no amino-acid change (leucine 332 retained).
Molecular consequence: synonymous variant.
Genome position (GRCh38, 1-based): chr9:137,743,914, C>T. VCF-style: chr9-137743914-C-T. GRCh37 (hg19) VCF-style: chr9-140638366-C-T.
Other names: c.994C>T, p.Leu332= (NM_001145527.2, NM_001354611.2); c.901C>T, p.Leu301= (NM_001354259.2, NM_001354612.2); c.973C>T, p.Leu325= (NM_001354263.2).
Identifiers: ClinVar variation 3342167 (VCV003342167.16).

ClinVar aggregate classification (germline): Likely benign (1 of 4 stars; one submission).

Submission:

CeGaT Center for Human Genetics Tuebingen
Classification: Likely benign. Last evaluated: 2024-09-01. Review status: criteria provided, single submitter. Criteria: CeGaT Center For Human Genetics Tuebingen Variant Classification Criteria Version 2. Collection method: clinical testing. Allele origin: germline. Affected: yes. Observed: 1 variant allele.
Comment: EHMT1: PM2:Supporting, BP4, BP7